The following is an entry in ClinVar:

NM_000048.4(ASL):c.721G>A (p.Glu241Lys)

Gene: ASL (argininosuccinate lyase; plus strand). Cytogenetic location: 7q11.21.
Variant type: single nucleotide variant.
Coding change: c.721G>A on transcript NM_000048.4 (MANE Select); coding-DNA position 721, G replaced by A.
Protein change: p.Glu241Lys; replaces glutamic acid 241 with lysine.
Molecular consequence: missense variant.
Genome position (GRCh38, 1-based): chr7:66,088,809, G>A. VCF-style: chr7-66088809-G-A. GRCh37 (hg19) VCF-style: chr7-65553796-G-A.
Other names: c.721G>A, p.Glu241Lys (NM_001024943.2, NM_001024944.2); c.643G>A, p.Glu215Lys (NM_001024946.2); c.721G>A (NM_000048.3); short protein forms E215K, E241K.
Identifiers: ClinVar variation 2678738 (VCV002678738.3), dbSNP rs1786746301, ClinGen allele CA367645087.

ClinVar aggregate classification (germline): Likely pathogenic. Review status: criteria provided, multiple submitters, no conflicts (2 of 4 stars). 3 submissions from 3 submitters: Likely pathogenic (3). Last evaluated 2024-05-01.

Conditions:
Argininosuccinate lyase deficiency. Also called: Argininosuccinic aciduria; ARGININOSUCCINIC ACID LYASE DEFICIENCY; ASL DEFICIENCY. Identifiers: Orphanet 23, MedGen C0268547, MONDO:0008815, OMIM 207900, HP:0025630.

Allele frequency attached by ClinVar (database versions not stated): gnomAD exomes below 0.00001.

Submissions (3):

Natera, Inc.
Classification: Likely pathogenic for Argininosuccinate lyase deficiency. Last evaluated: 2024-05-01. Review status: criteria provided, single submitter. Criteria: Natera Variant Classification Schema (03/2026). Collection method: clinical testing. Allele origin: germline.
Comment: The c.721G>A variant in ASL is a missense variant predicted to cause substitution of glutamic acid to lysine at amino acid 241. This variant is rare in the general population with a frequency below the threshold expected for the associated phenotype(s). This variant has been observed in one or more individuals affected with the associated recessive disease, as either homozygous or compound heterozygous with a second variant (PMID: 15164414, 24166829). Computational prediction algorithms indicate this variant is likely to affect gene or protein function. Given the available evidence, this variant is classified as Likely Pathogenic.

Fulgent Genetics
Classification: Likely pathogenic for Argininosuccinate lyase deficiency. Last evaluated: 2024-04-08. Review status: criteria provided, single submitter. Criteria: ACMG Guidelines, 2015. Collection method: clinical testing. Allele origin: germline.

Baylor Genetics
Classification: Likely pathogenic for Argininosuccinate lyase deficiency. Last evaluated: 2023-06-10. Review status: criteria provided, single submitter. Criteria: ACMG Guidelines, 2015. Collection method: clinical testing. Allele origin: unknown.

Literature cited by the submitters: PubMed 15164414 (cited by Natera, Inc.); PubMed 24166829 (cited by Natera, Inc.).